The following is an entry in ClinVar:

ClinVar aggregate classification (germline): Uncertain significance. Review status: criteria provided, multiple submitters, no conflicts (2 of 4 stars). 2 submissions from 2 submitters: Uncertain significance (2). Last evaluated 2023-07-06.

Conditions:
Cardiovascular phenotype. Identifiers: MedGen CN230736.
DK1-congenital disorder of glycosylation. Also called: DK1 DEFICIENCY; DOLICHOL KINASE DEFICIENCY; DOLK-congenital disorder of glycosylation; Carbohydrate deficient glycoprotein syndrome type 1m; DK1-CDG; CONGENITAL DISORDER OF GLYCOSYLATION, TYPE Im. Identifiers: Orphanet 91131, MedGen C1835849, MONDO:0012556, OMIM 610768.

Allele frequency attached by ClinVar (database versions not stated): TOPMed below 0.00001; gnomAD 0.00001; ExAC 0.00002; 1000 Genomes Project 30x 0.00016; 1000 Genomes Project 0.00020.

Submissions (2):

Ambry Genetics
Classification: Uncertain significance for Cardiovascular phenotype. Last evaluated: 2023-07-06. Review status: criteria provided, single submitter. Criteria: Ambry Variant Classification Scheme 2023. Collection method: clinical testing. Allele origin: germline.
Comment: The p.R297H variant (also known as c.890G>A), located in coding exon 1 of the DOLK gene, results from a G to A substitution at nucleotide position 890. The arginine at codon 297 is replaced by histidine, an amino acid with highly similar properties. This amino acid position is highly conserved in available vertebrate species. In addition, this alteration is predicted to be deleterious by in silico analysis. Since supporting evidence is limited at this time, the clinical significance of this alteration remains unclear.

Labcorp Genetics (formerly Invitae), Labcorp
Classification: Uncertain significance for DK1-congenital disorder of glycosylation. Last evaluated: 2022-08-22. Review status: criteria provided, single submitter. Criteria: Invitae Variant Classification Sherloc (09022015). Collection method: clinical testing. Allele origin: germline.
Comment: In summary, the available evidence is currently insufficient to determine the role of this variant in disease. Therefore, it has been classified as a Variant of Uncertain Significance. Algorithms developed to predict the effect of missense changes on protein structure and function (SIFT, PolyPhen-2, Align-GVGD) all suggest that this variant is likely to be disruptive. This variant has not been reported in the literature in individuals affected with DOLK-related conditions. This variant is present in population databases (rs201143469, gnomAD 0.007%). This sequence change replaces arginine, which is basic and polar, with histidine, which is basic and polar, at codon 297 of the DOLK protein (p.Arg297His).

NM_014908.4(DOLK):c.890G>A (p.Arg297His)

Gene: DOLK (dolichol kinase; minus strand). Cytogenetic location: 9q34.11.
Variant type: single nucleotide variant.
Coding change: c.890G>A on transcript NM_014908.4 (MANE Select); coding-DNA position 890, G replaced by A.
Protein change: p.Arg297His; replaces arginine 297 with histidine.
Molecular consequence: missense variant.
Genome position (GRCh38, 1-based): chr9:128,946,414, C>T on the plus strand (G>A on the coding strand, the complement: DOLK is on the minus strand). VCF-style: chr9-128946414-C-T. GRCh37 (hg19) VCF-style: chr9-131708693-C-T.
Other names: short protein forms R297H.
Identifiers: ClinVar variation 2143112 (VCV002143112.4), dbSNP rs201143469, ClinGen allele CA5271668.
Genomic context (GRCh38, chr9:128,946,414, plus strand): 5'-TACAGCACCACCAGGCAGGCCAAGGTGGCCAGCAGAGACCAATAGGCTAGGAGGTAGATG[C>T]GGGTGTCTGTCTGGAAGAGAAACTGAAGAAGCCAGAGCAGGGGATTCCTGCGGATGAGCC-3'
Protein context (NP_055723.1, residues 287-307): LLQFLFQTDT[Arg297His]IYLLAYWSLL